The following is an entry in ClinVar:

NM_002087.4(GRN):c.740G>A (p.Cys247Tyr)

Genes: GRN (granulin precursor; plus strand), LOC125177489 (Sharpr-MPRA regulatory region 15390; plus strand). Cytogenetic location: 17q21.31.
Variant type: single nucleotide variant.
Coding change: c.740G>A on transcript NM_002087.4 (MANE Select); coding-DNA position 740, G replaced by A.
Protein change: p.Cys247Tyr; replaces cysteine 247 with tyrosine.
Molecular consequence: missense variant.
Genome position (GRCh38, 1-based): chr17:44,351,068, G>A. VCF-style: chr17-44351068-G-A. GRCh37 (hg19) VCF-style: chr17-42428436-G-A.
Other names: short protein forms C247Y.
Identifiers: ClinVar variation 1303115 (VCV001303115.2), dbSNP rs1221884076, ClinGen allele CA399764595.

ClinVar aggregate classification (germline): Uncertain significance (1 of 4 stars; one submission).

Allele frequency attached by ClinVar (database versions not stated): TOPMed 0.00001.

Submission:

GeneDx
Classification: Uncertain significance. Last evaluated: 2019-03-01. Review status: criteria provided, single submitter. Criteria: GeneDx Variant Classification Process June 2021. Collection method: clinical testing. Allele origin: germline. Affected: yes.
Comment: Reported in an individual with an unknown phenotype, in conjunction with a variant in the PSEN1 gene in an Alzheimers disease research cohort. However, segregation and functional analysis were not completed.; Not observed in large population cohorts (Lek et al., 2016); In silico analysis, which includes protein predictors and evolutionary conservation, supports a deleterious effect; This variant is associated with the following publications: (PMID: 23990795)